The following is an entry in ClinVar:

NM_052947.4(ALPK2):c.3280G>A (p.Gly1094Ser)

Gene: ALPK2 (alpha kinase 2; minus strand). Cytogenetic location: 18q21.31.
Variant type: single nucleotide variant.
Coding change: c.3280G>A on transcript NM_052947.4 (MANE Select); coding-DNA position 3280, G replaced by A.
Protein change: p.Gly1094Ser; replaces glycine 1094 with serine.
Molecular consequence: missense variant.
Genome position (GRCh38, 1-based): chr18:58,536,907, C>T on the plus strand (G>A on the coding strand, the complement: ALPK2 is on the minus strand). VCF-style: chr18-58536907-C-T. GRCh37 (hg19) VCF-style: chr18-56204139-C-T.
Other names: short protein forms G1094S.
Identifiers: ClinVar variation 1729733 (VCV001729733.2), dbSNP rs781213067, ClinGen allele CA8976930.

ClinVar aggregate classification (germline): Uncertain significance (1 of 4 stars; one submission).

Allele frequency attached by ClinVar (database versions not stated): gnomAD exomes below 0.00001; ExAC 0.00001.
gnomAD v4.1: 1 of 1,614,180 alleles (0.000062%); highest among the groups gnomAD compares: East Asian, 0.0022%; no homozygotes.

Submission:

Ambry Genetics
Classification: Uncertain significance. Last evaluated: 2021-10-19. Review status: criteria provided, single submitter. Criteria: Ambry Variant Classification Scheme 2023. Collection method: clinical testing. Allele origin: germline.
Comment: The p.G1094S variant (also known as c.3280G>A), located in coding exon 4 of the ALPK2 gene, results from a G to A substitution at nucleotide position 3280. The glycine at codon 1094 is replaced by serine, an amino acid with similar properties. This amino acid position is conserved. In addition, this alteration is predicted to be tolerated by in silico analysis. Since supporting evidence is limited at this time, the clinical significance of this alteration remains unclear.